The following is an entry in ClinVar:

NM_007294.4(BRCA1):c.5513T>A (p.Val1838Glu)

Gene: BRCA1 (BRCA1 DNA repair associated; minus strand). Cytogenetic location: 17q21.31.
Variant type: single nucleotide variant.
Coding change: c.5513T>A on transcript NM_007294.4 (MANE Select); coding-DNA position 5513, T replaced by A.
Protein change: p.Val1838Glu; replaces valine 1838 with glutamic acid.
Molecular consequence: missense variant. On other transcripts: 3 prime UTR variant (1), non-coding transcript variant (1).
Genome position (GRCh38, 1-based): chr17:43,045,757, A>T on the plus strand (T>A on the coding strand, the complement: BRCA1 is on the minus strand). VCF-style: chr17-43045757-A-T. GRCh37 (hg19) VCF-style: chr17-41197774-A-T.
Other names: 5632T>A; c.1964T>A, p.Val655Glu (NM_001408494.1); c.1958T>A, p.Val653Glu (NM_001408495.1); c.1940T>A, p.Val647Glu (NM_001408496.1, NM_001408497.1, NM_001408498.1 and 3 more transcripts); c.1937T>A, p.Val646Glu (NM_001408502.1, NM_001408503.1, NM_001408504.1); c.5369T>A, p.Val1790Glu (NM_001407734.1, NM_001407735.1, NM_001407736.1 and 18 more transcripts); c.5507T>A, p.Val1836Glu (NM_001407629.1, NM_001407630.1, NM_001407631.1 and 13 more transcripts); c.5510T>A, p.Val1837Glu (NM_001407610.1, NM_001407611.1, NM_001407612.1 and 14 more transcripts); and 75 more; short protein forms V1838E, V1859E, V734E, V1791E, V1669E, V1684E, V1749E, V1750E.
Identifiers: ClinVar variation 55611 (VCV000055611.19), dbSNP rs80357107, ClinGen allele CA003690.
Genomic context (GRCh38, chr17:43,045,757, plus strand): 5'-ATCTGGGGTATCAGGTAGGTGTCCAGCTCCTGGCACTGGTAGAGTGCTACACTGTCCAAC[A>T]CCCACTCTCGGGTCACCACAGGTGCCTCACACATCTGCCCAATTGCTGGAGACAGAGAAC-3'
Protein context (NP_009225.1, residues 1828-1848): CEAPVVTREW[Val1838Glu]LDSVALYQCQ

ClinVar aggregate classification (germline): Pathogenic. Review status: reviewed by expert panel (3 of 4 stars). 8 submissions from 8 submitters: Pathogenic (1). 7 of the submissions do not count toward it. Last evaluated 2015-08-10.

Conditions:
Hereditary cancer-predisposing syndrome. Also called: Hereditary Cancer Syndrome; Hereditary neoplastic syndrome; Neoplastic Syndromes, Hereditary; Tumor predisposition. Identifiers: Orphanet 140162, MedGen C0027672, MeSH D009386, MONDO:0015356.
Breast-ovarian cancer, familial, susceptibility to, 1 (BROVCA1). Also called: BRCA1 Hereditary Breast and Ovarian Cancer; OVARIAN CANCER, SUSCEPTIBILITY TO. Identifiers: Orphanet 145, MedGen C2676676, MONDO:0011450, OMIM 604370. Disease mechanism: loss of function.
Hereditary breast ovarian cancer syndrome. Also called: BRCA1- and BRCA2-Associated Hereditary Breast and Ovarian Cancer; Hereditary breast and ovarian cancer syndrome; Hereditary breast and ovarian cancer syndrome (HBOC); Breast and ovarian cancer; Hereditary breast and/or ovarian cancer syndrome; Hereditary breast and ovarian cancer. Identifiers: Orphanet 145, MedGen C0677776, MeSH D061325, MONDO:0003582. Disease mechanism: loss of function.

Submissions (9):

Evidence-based Network for the Interpretation of Germline Mutant Alleles (ENIGMA)
Classification: Pathogenic for Breast-ovarian cancer, familial 1. Last evaluated: 2015-08-10. Review status: reviewed by expert panel. Criteria: ENIGMA BRCA1/2 Classification Criteria (2015). Collection method: curation. Allele origin: germline.
Comment: IARC class based on posterior probability from multifactorial likelihood analysis, thresholds for class as per Plon et al. 2008 (PMID: 18951446). Class 5 based on posterior probability = 1

Ambry Genetics
Classification: Likely pathogenic for Hereditary cancer-predisposing syndrome. Last evaluated: 2022-12-12. Review status: criteria provided, single submitter. Criteria: Ambry Variant Classification Scheme 2023. Collection method: clinical testing. Allele origin: germline. Not counted in ClinVar's aggregate classification.
Comment: The p.V1838E variant (also known as c.5513T>A), located in coding exon 22 of the BRCA1 gene, results from a T to A substitution at nucleotide position 5513. The valine at codon 1838 is replaced by glutamic acid, an amino acid with dissimilar properties. This nucleotide substitution is non-functional across multiple functional assays (Lee MS et al. Cancer Res, 2010 Jun;70:4880-90; Findlay GM et al. Nature, 2018 Oct;562:217-222). This alteration has been reported in a cohort of 488 patients with stages I to III breast cancer who were tested with a 25-gene panel test (Tung N et al. J Clin Oncol, 2016 May;34:1460-8). This alteration was also identified in a large, worldwide study of BRCA1/2 mutation positive families (Rebbeck TR et al. Hum Mutat, 2018 May;39:593-620). This variant is considered to be rare based on population cohorts in the Genome Aggregation Database (gnomAD). This amino acid position is highly conserved in available vertebrate species. In addition, this alteration is predicted to be deleterious by in silico analysis. Based on the majority of available evidence to date, this variant is likely to be pathogenic.

Labcorp Genetics (formerly Invitae), Labcorp
Classification: Likely pathogenic for Hereditary breast ovarian cancer syndrome. Last evaluated: 2022-03-27. Review status: criteria provided, single submitter. Criteria: Invitae Variant Classification Sherloc (09022015). Collection method: clinical testing. Allele origin: germline. Not counted in ClinVar's aggregate classification.
Comment: Experimental studies have shown that this missense change affects BRCA1 function (PMID: 20516115, 27272900, 30209399). Advanced modeling of experimental studies (such as gene expression, population dynamics, functional pathways, and cell-cycle effects in cell culture) performed at Invitae indicates that this missense variant is expected to disrupt BRCA1 protein function. ClinVar contains an entry for this variant (Variation ID: 55611). This missense change has been observed in individual(s) with clinical features of breast and ovarian hereditary cancer (PMID: 18497862, 26976419). This variant is not present in population databases (gnomAD no frequency). This sequence change replaces valine, which is neutral and non-polar, with glutamic acid, which is acidic and polar, at codon 1838 of the BRCA1 protein (p.Val1838Glu). Based on a multifactorial likelihood algorithm using genetic, in silico, and/or statistical data, this variant has been determined to have a high probability of being pathogenic (PMID: 18375895, 21990134). In summary, the currently available evidence indicates that the variant is pathogenic, but additional data are needed to prove that conclusively. Therefore, this variant has been classified as Likely Pathogenic.

Color Diagnostics, LLC DBA Color Health
Classification: Likely pathogenic for Hereditary cancer-predisposing syndrome. Last evaluated: 2021-05-10. Review status: criteria provided, single submitter. Criteria: ACMG Guidelines, 2015. Collection method: clinical testing. Allele origin: germline. Not counted in ClinVar's aggregate classification.
Comment: This missense variant replaces valine with glutamic acid at codon 1838 in the BRCT2 domain of the BRCA1 protein. Computational prediction suggests that this variant may have deleterious impact on protein structure and function (internally defined REVEL score threshold >= 0.7, PMID: 27666373). Functional studies have shown the mutant protein to be defective in protein stability, phosphopeptide binding and transcriptional activation (PMID: 20516115), and in a cell proliferation assay (PMID: 30209399). This variant has been reported in individuals and families affected with breast and/or ovarian cancer (PMID: 18375895, 32322110, 33302456; Color internal data; kConFab). Multifactorial analyses based on clinical and functional data have determined this variant to be disease-causing (PMID: 18375895, 21990134). This variant has not been identified in the general population by the Genome Aggregation Database (gnomAD). Based on the available evidence, this variant is classified as Likely Pathogenic.

GeneDx
Classification: Pathogenic. Last evaluated: 2016-05-26. Review status: criteria provided, single submitter. Criteria: GeneDx Variant Classification (06012015). Collection method: clinical testing. Allele origin: germline. Affected: yes. Not counted in ClinVar's aggregate classification.
Comment: This variant is denoted BRCA1 c.5513T>A at the cDNA level, p.Val1838Glu (V1838E) at the protein level, and results in the change of a Valine to a Glutamic Acid (GTG>GAG). This variant, also published as BRCA1 5632T>A using alternate numbering, has been observed in at least three individuals with a history of breast cancer (Spurdle 2008, Waddell 2008, Tung 2016). BRCA1 Val1838Glu has been reported to have a functional impact in several in vitro functional assays looking at protease sensitivity, phosphopeptide binding activity/specificity, and transcription (Lee 2010). Additionally, this variant was strongly predicted by Lindor et al. (2012) to be pathogenic based on tumor pathology, clinical histories, family studies and co-occurrence with deleterious variants. BRCA1 Val1838Glu was not observed in approximately 6,500 individuals of European and African American ancestry in the NHLBI Exome Sequencing Project, suggesting it is not a common benign variant in these populations. Since Valine and Glutamic Acid differ in polarity, charge, size or other properties, this is considered a non-conservative amino acid substitution. BRCA1 Val1838Glu occurs at a position that is conserved across species and is located in the BRCT2 domain and a region known to interact with multiple other proteins (Paul 2014, UniProt). In silico analyses predict that this variant is probably damaging to protein structure and function. Based on the currently available evidence, we consider BRCA1 Val1838Glu to be pathogenic.

Consortium of Investigators of Modifiers of BRCA1/2 (CIMBA), c/o University of Cambridge
Classification: Pathogenic for Breast-ovarian cancer, familial, susceptibility to, 1. Last evaluated: 2015-10-02. Review status: criteria provided, single submitter. Criteria: CIMBA Mutation Classification guidelines May 2016. Collection method: clinical testing. Allele origin: germline. Not counted in ClinVar's aggregate classification.

Sharing Clinical Reports Project (SCRP)
Classification: Uncertain significance for Breast-ovarian cancer, familial 1. Last evaluated: 2012-02-29. Review status: no assertion criteria provided. Collection method: clinical testing. Allele origin: germline. Not counted in ClinVar's aggregate classification.

Breast Cancer Information Core (BIC) (BRCA1)
Classification: Uncertain significance for Breast-ovarian cancer, familial 1. Last evaluated: 2003-12-23. Review status: no assertion criteria provided. Collection method: clinical testing. Allele origin: germline. Affected: yes. Observed: 5 variant alleles. Not counted in ClinVar's aggregate classification.

Brotman Baty Institute, University of Washington
No classification provided (evidence only). Condition: Breast-ovarian cancer, familial 1. Review status: no classification provided. Collection method: in vitro. Allele origin: not applicable. Functional consequence: functionally_abnormal. Not counted in ClinVar's aggregate classification.
ClinVar note: "not provided" was previously submitted as the classification for the variant. However, the classification appeared to be based only on an observation of functional data so it was converted to no classification on 2025-07-30.

Literature cited by the submitters: PubMed 21990134 (cited by Evidence-based Network for the Interpretation of Germline Mutant Alleles (ENIGMA) and Labcorp Genetics (formerly Invitae), Labcorp); PubMed 20516115 (cited by Ambry Genetics and Labcorp Genetics (formerly Invitae), Labcorp); PubMed 26976419 (cited by Ambry Genetics and Labcorp Genetics (formerly Invitae), Labcorp); PubMed 29446198 (cited by Ambry Genetics); PubMed 30209399 (cited by Ambry Genetics and Labcorp Genetics (formerly Invitae), Labcorp); PubMed 27272900 (cited by Labcorp Genetics (formerly Invitae), Labcorp); PubMed 18497862 (cited by Labcorp Genetics (formerly Invitae), Labcorp); PubMed 18375895 (cited by Labcorp Genetics (formerly Invitae), Labcorp).